The following is an entry in ClinVar:

ClinVar aggregate classification (germline): Uncertain significance (1 of 4 stars; one submission).

Conditions:
Cardiovascular phenotype. Identifiers: MedGen CN230736.

Submission:

Ambry Genetics
Classification: Uncertain significance for Cardiovascular phenotype. Last evaluated: 2025-07-29. Review status: criteria provided, single submitter. Criteria: Ambry Variant Classification Scheme 2023. Collection method: clinical testing. Allele origin: germline.
Comment: The p.G120R variant (also known as c.358G>C), located in coding exon 1 of the HCN4 gene, results from a G to C substitution at nucleotide position 358. The glycine at codon 120 is replaced by arginine, an amino acid with dissimilar properties. This amino acid position is conserved. In addition, the in silico prediction for this alteration is inconclusive. Based on the available evidence, the clinical significance of this variant remains unclear.

NM_005477.3(HCN4):c.358G>C (p.Gly120Arg)

Gene: HCN4 (hyperpolarization activated cyclic nucleotide gated potassium channel 4; minus strand). Cytogenetic location: 15q24.1.
Variant type: single nucleotide variant.
Coding change: c.358G>C on transcript NM_005477.3 (MANE Select); coding-DNA position 358, G replaced by C.
Protein change: p.Gly120Arg; replaces glycine 120 with arginine.
Molecular consequence: missense variant.
Genome position (GRCh38, 1-based): chr15:73,367,913, C>G on the plus strand (G>C on the coding strand, the complement: HCN4 is on the minus strand). VCF-style: chr15-73367913-C-G. GRCh37 (hg19) VCF-style: chr15-73660254-C-G.
Other names: short protein forms G120R.
Identifiers: ClinVar variation 4269230 (VCV004269230.1).
Genomic context (GRCh38, chr15:73,367,913, plus strand): 5'-CGGGGGACGCGTCGCCCTCGGCGATGAGCCGCCGCTCCTCCGCGGAGTCATGCAGGTGTC[C>G]GTGACTGCTGCCGCTCCCCGTGCCGCCGCTGCCGCCGCCCCGGCTGCCCAGCGAGGCCAG-3'
Protein context (NP_005468.1, residues 110-130): SGGTGSGSSH[Gly120Arg]HLHDSAEERR